The following is an entry in ClinVar:

NM_000038.6(APC):c.1440A>C (p.Gln480His)

Gene: APC (APC regulator of Wnt signaling pathway; plus strand). Cytogenetic location: 5q22.2.
Variant type: single nucleotide variant.
Coding change: c.1440A>C on transcript NM_000038.6 (MANE Select); coding-DNA position 1440, A replaced by C.
Protein change: p.Gln480His; replaces glutamine 480 with histidine.
Molecular consequence: missense variant.
Genome position (GRCh38, 1-based): chr5:112,827,139, A>C. VCF-style: chr5-112827139-A-C. GRCh37 (hg19) VCF-style: chr5-112162836-A-C.
Other names: c.1440A>C, p.Gln480His (NM_001127510.3, NM_001354895.2); c.1386A>C, p.Gln462His (NM_001127511.3); c.1494A>C, p.Gln498His (NM_001354896.2); c.1470A>C, p.Gln490His (NM_001354897.2); c.1365A>C, p.Gln455His (NM_001354898.2); c.1356A>C, p.Gln452His (NM_001354899.2); c.1317A>C, p.Gln439His (NM_001354900.2); c.1263A>C, p.Gln421His (NM_001354901.2); and 5 more; short protein forms Q462H, Q480H, Q490H, Q320H, Q379H, Q421H, Q354H, Q389H.
Identifiers: ClinVar variation 245917 (VCV000245917.27), dbSNP rs863224537, ClinGen allele CA10584240.

ClinVar aggregate classification (germline): Conflicting classifications of pathogenicity. Review status: criteria provided, conflicting classifications (1 of 4 stars). 9 submissions from 9 submitters: Uncertain significance (7); Likely benign (1). 1 of the submissions does not count toward it. Last evaluated 2025-12-08.

Conditions:
Classic or attenuated familial adenomatous polyposis. Identifiers: MedGen CN372698, MONDO:0021057.
Hereditary cancer-predisposing syndrome. Also called: Hereditary Cancer Syndrome; Tumor predisposition; Hereditary neoplastic syndrome; Neoplastic Syndromes, Hereditary. Identifiers: Orphanet 140162, MedGen C0027672, MeSH D009386, MONDO:0015356.
Familial adenomatous polyposis 1 (FAP1). Also called: FAMILIAL ADENOMATOUS POLYPOSIS 1, ATTENUATED; POLYPOSIS, ADENOMATOUS INTESTINAL. Identifiers: MedGen C2713442, MONDO:0021056, OMIM 175100. Disease mechanism: loss of function.

gnomAD v4.1: 9 of 1,613,628 alleles (0.00056%); highest among the groups gnomAD compares: Middle Eastern, 0.033%; no homozygotes.

Submissions (9):

Labcorp Genetics (formerly Invitae), Labcorp
Classification: Uncertain significance for Familial adenomatous polyposis 1. Last evaluated: 2025-12-08. Review status: criteria provided, single submitter. Criteria: Invitae Variant Classification Sherloc (09022015). Collection method: clinical testing. Allele origin: germline.
Comment: This sequence change replaces glutamine, which is neutral and polar, with histidine, which is basic and polar, at codon 480 of the APC protein (p.Gln480His). This variant is present in population databases (no rsID available, gnomAD no frequency). This variant has not been reported in the literature in individuals affected with APC-related conditions. ClinVar contains an entry for this variant (Variation ID: 245917). Invitae Evidence Modeling of protein sequence and biophysical properties (such as structural, functional, and spatial information, amino acid conservation, physicochemical variation, residue mobility, and thermodynamic stability) indicates that this missense variant is not expected to disrupt APC protein function with a negative predictive value of 95%. In summary, the available evidence is currently insufficient to determine the role of this variant in disease. Therefore, it has been classified as a Variant of Uncertain Significance.

Ambry Genetics
Classification: Likely benign for Hereditary cancer-predisposing syndrome. Last evaluated: 2025-07-18. Review status: criteria provided, single submitter. Criteria: Ambry Variant Classification Scheme 2023. Collection method: clinical testing. Allele origin: germline.

Color Diagnostics, LLC DBA Color Health
Classification: Uncertain significance for Hereditary cancer-predisposing syndrome. Last evaluated: 2024-11-18. Review status: criteria provided, single submitter. Criteria: ACMG Guidelines, 2015. Collection method: clinical testing. Allele origin: germline.
Comment: This missense variant replaces glutamine with histidine at codon 480 of the APC protein. Computational prediction suggests that this variant may not impact protein structure and function (internally defined REVEL score threshold <= 0.5, PMID: 27666373). To our knowledge, functional studies have not been reported for this variant. This variant has not been reported in individuals affected with APC-related disorders in the literature. This variant has been identified in 1/245924 chromosomes in the general population by the Genome Aggregation Database (gnomAD). The available evidence is insufficient to determine the role of this variant in disease conclusively. Therefore, this variant is classified as a Variant of Uncertain Significance.

Blueprint Genetics
Classification: Uncertain significance. Last evaluated: 2024-11-01. Review status: criteria provided, single submitter. Criteria: ACMG Guidelines, 2015. Collection method: clinical testing. Allele origin: germline.

All of Us Research Program, National Institutes of Health
Classification: Uncertain significance for Classic or attenuated familial adenomatous polyposis. Last evaluated: 2024-08-06. Review status: criteria provided, single submitter. Criteria: ACMG Guidelines, 2015. Collection method: clinical testing. Allele origin: germline. Inheritance: Autosomal dominant inheritance. Observed: 3 variant alleles, 3 heterozygotes.
Comment: This missense variant replaces glutamine with histidine at codon 480 of the APC protein. Computational prediction suggests that this variant may not impact protein structure and function (internally defined REVEL score threshold <= 0.5, PMID: 27666373). To our knowledge, functional studies have not been reported for this variant. This variant has not been reported in individuals affected with APC-related disorders in the literature. This variant has been identified in 1/245924 chromosomes in the general population by the Genome Aggregation Database (gnomAD). The available evidence is insufficient to determine the role of this variant in disease conclusively. Therefore, this variant is classified as a Variant of Uncertain Significance.

This study involves interpretation of variants in research participants for the purpose of population health screening. Participant phenotype was not available at the time of variant classification. Additional details can be found in publication PMID: 35346344, PMCID: PMC8962531

Revvity Omics, Revvity
Classification: Uncertain significance. Last evaluated: 2023-03-08. Review status: criteria provided, single submitter. Criteria: ACMG Guidelines, 2015. Collection method: clinical testing. Allele origin: germline.

GeneDx
Classification: Uncertain significance. Last evaluated: 2021-08-30. Review status: criteria provided, single submitter. Criteria: GeneDx Variant Classification Process June 2021. Collection method: clinical testing. Allele origin: germline. Affected: yes.
Comment: Not observed at significant frequency in large population cohorts (Lek 2016); In silico analysis supports that this missense variant has a deleterious effect on protein structure/function; Has not been previously published as pathogenic or benign to our knowledge; This variant is associated with the following publications: (PMID: 18199528)

Women's Health and Genetics/Laboratory Corporation of America, LabCorp
Classification: Uncertain significance. Last evaluated: 2019-09-10. Review status: criteria provided, single submitter. Criteria: LabCorp Variant Classification Summary - May 2015. Collection method: clinical testing. Allele origin: germline.
Comment: Variant summary: APC c.1440A>C (p.Gln480His) results in a non-conservative amino acid change located in the Armadillo domain of the encoded protein sequence. Three of five in-silico tools predict a benign effect of the variant on protein function. The variant was absent in 251156 control chromosomes (gnomAD). The available data on variant occurrences in the general population are insufficient to allow any conclusion about variant significance. To our knowledge, no occurrence of c.1440A>C in individuals affected with Familial Adenomatous Polyposis and no experimental evidence demonstrating its impact on protein function have been reported. Three ClinVar submissions (evaluation after 2014) cite the variant twice as uncertain significance and once as pathogenic. Based on the evidence outlined above, the variant was classified as uncertain significance.

Department of Pathology and Laboratory Medicine, Sinai Health System
Classification: Uncertain significance for Familial adenomatous polyposis 1. Review status: no assertion criteria provided. Collection method: clinical testing. Allele origin: unknown. Affected: yes. Study: The Canadian Open Genetics Repository (COGR). Not counted in ClinVar's aggregate classification.
Comment: The APC p.Gln480His variant was not identified in the literature nor was it identified in the dbSNP, NHLBI Exome Sequencing Project (Exome Variant Server), Exome Aggregation Consortium (ExAC) database, HGMD, COSMIC, MutDB, â€šÃ„ÃºMismatch Repair Genes Variant Databaseâ€šÃ„Ã¹, â€šÃ„ÃºMMR Gene Unclassified Variants Databaseâ€šÃ„Ã¹, InSiGHT Colon Cancer Gene Variant Database, â€šÃ„ÃºZhejiang Colon Cancer Databaseâ€šÃ„Ã¹, the ClinVar database, GeneInsight VariantWire database. The variant was only identified in UMD (1X as a UV variant). The p.Gln480 residue is not conserved in mammals and computational analyses (PolyPhen-2, SIFT, AlignGVGD, BLOSUM, MutationTaster) provide inconsistent predictions regarding the impact to the protein; this information is not very predictive of pathogenicity. The variant occurs outside of the splicing consensus sequence and 2 of 5 in silico or computational prediction software programs (SpliceSiteFinder, MaxEntScan, NNSPLICE, GeneSplicer, HumanSpliceFinder) predict a greater than 10% difference in splicing; this is not very predictive of pathogenicity. In summary, based on the above information, the clinical significance of this variant cannot be determined with certainty at this time. This variant is classified as a variant of unknown significance.